The following is an entry in ClinVar:

NM_015046.7(SETX):c.377A>C (p.His126Pro)

Gene: SETX (senataxin; minus strand). Cytogenetic location: 9q34.13.
Variant type: single nucleotide variant.
Coding change: c.377A>C on transcript NM_015046.7 (MANE Select); coding-DNA position 377, A replaced by C.
Protein change: p.His126Pro; replaces histidine 126 with proline.
Molecular consequence: missense variant.
Genome position (GRCh38, 1-based): chr9:132,346,272, T>G on the plus strand (A>C on the coding strand, the complement: SETX is on the minus strand). VCF-style: chr9-132346272-T-G. GRCh37 (hg19) VCF-style: chr9-135221659-T-G.
Other names: c.377A>C, p.His126Pro (NM_001351527.2, NM_001351528.2); short protein forms H126P.
Identifiers: ClinVar variation 1807027 (VCV001807027.2), dbSNP rs368932301, ClinGen allele CA5298077.

ClinVar aggregate classification (germline): Uncertain significance. Review status: criteria provided, multiple submitters, no conflicts (2 of 4 stars). 2 submissions from 2 submitters: Uncertain significance (2). Last evaluated 2025-10-23.

Conditions:
Amyotrophic lateral sclerosis type 4 (ALS4). Also called: AMYOTROPHIC LATERAL SCLEROSIS 4, JUVENILE; NEURONOPATHY, DISTAL HEREDITARY MOTOR, WITH PYRAMIDAL FEATURES. Identifiers: Orphanet 357043, MedGen C1865409, MONDO:0011223, OMIM 602433.
Spinocerebellar ataxia, autosomal recessive, with axonal neuropathy 2 (SCAN2). Also called: Ataxia with Oculomotor Apraxia; ATAXIA-OCULOMOTOR APRAXIA 2; Ataxia with Oculomotor Apraxia Type 2; Ataxia-ocular apraxia-2. Identifiers: Orphanet 64753, MedGen C1853761, MONDO:0018996, OMIM 606002.

Allele frequency attached by ClinVar (database versions not stated): ESP Exome Variant Server 0.00008.
gnomAD v4.1: 4 of 1,612,968 alleles (0.00025%); highest among the groups gnomAD compares: African/African-American, 0.0013%; no homozygotes.

Submissions (2):

Labcorp Genetics (formerly Invitae), Labcorp
Classification: Uncertain significance for Amyotrophic lateral sclerosis type 4; Spinocerebellar ataxia, autosomal recessive, with axonal neuropathy 2. Last evaluated: 2025-10-23. Review status: criteria provided, single submitter. Criteria: Invitae Variant Classification Sherloc (09022015). Collection method: clinical testing. Allele origin: germline.
Comment: This sequence change replaces histidine, which is basic and polar, with proline, which is neutral and non-polar, at codon 126 of the SETX protein (p.His126Pro). This variant is present in population databases (rs368932301, gnomAD 0.0009%). This variant has not been reported in the literature in individuals affected with SETX-related conditions. ClinVar contains an entry for this variant (Variation ID: 1807027). Invitae Evidence Modeling of protein sequence and biophysical properties (such as structural, functional, and spatial information, amino acid conservation, physicochemical variation, residue mobility, and thermodynamic stability) has been performed for this missense variant. However, the output from this modeling did not meet the statistical confidence thresholds required to predict the impact of this variant on SETX protein function. In summary, the available evidence is currently insufficient to determine the role of this variant in disease. Therefore, it has been classified as a Variant of Uncertain Significance.

Athena Diagnostics
Classification: Uncertain significance. Last evaluated: 2022-03-07. Review status: criteria provided, single submitter. Criteria: Athena Diagnostics Criteria. Collection method: clinical testing. Allele origin: unknown.